The following is an entry in ClinVar:

NM_001348716.2(KDM6B):c.2022C>T (p.Pro674=)

Gene: KDM6B (lysine demethylase 6B; plus strand). Cytogenetic location: 17p13.1.
Variant type: single nucleotide variant.
Coding change: c.2022C>T on transcript NM_001348716.2 (MANE Select); coding-DNA position 2022, C replaced by T.
Protein change: p.Pro674=; no amino-acid change (proline 674 retained).
Molecular consequence: synonymous variant.
Genome position (GRCh38, 1-based): chr17:7,848,310, C>T. VCF-style: chr17-7848310-C-T. GRCh37 (hg19) VCF-style: chr17-7751628-C-T.
Other names: c.2022C>T, p.Pro674= (NM_001080424.2).
Identifiers: ClinVar variation 3898430 (VCV003898430.7).

ClinVar aggregate classification (germline): Likely benign (1 of 4 stars; one submission).

gnomAD v4.1: 43 of 1,612,636 alleles (0.0027%); highest among the groups gnomAD compares: Non-Finnish European, 0.0031%; no homozygotes.

Submission:

CeGaT Center for Human Genetics Tuebingen
Classification: Likely benign. Last evaluated: 2026-04-01. Review status: criteria provided, single submitter. Criteria: CeGaT Center For Human Genetics Tuebingen Variant Classification Criteria Version 2. Collection method: clinical testing. Allele origin: germline. Affected: yes. Observed: 2 variant alleles.
Comment: KDM6B: BP4, BP7